The following is an entry in ClinVar:

ClinVar aggregate classification (germline): Pathogenic (0 of 4 stars; one submission).

Conditions:
Steinert myotonic dystrophy syndrome (DM1). Also called: STEINERT DISEASE; Myotonic dystrophy type 1; Dystrophia myotonica type 1; Steinert myotonic dystrophy; Steinert's disease. Identifiers: Orphanet 273, MedGen C3250443, MONDO:0008056, OMIM 160900.

Submission:

Institute of Molecular, Cell and Systems Biology, University of Glasgow
Classification: Pathogenic for Steinert myotonic dystrophy syndrome. Review status: no assertion criteria provided. Criteria: research. Collection method: research. Allele origin: germline. Inheritance: Autosomal dominant inheritance. Affected: yes. Observed: 1 heterozygote.
Comment: DMPK CTG repeat expansions greater than approximately 45-50 repeats are assumed to be pathogenic

This record is based on data published in PubMed 25052313, which reports only ClinVar accessions SCV000120188 and SCV000120189. The complete data set includes SCV000207445 - SCV000207579.

Literature cited by the submitters: PubMed 1346923; PubMed 1546326; PubMed 25052313.

NM_004409.5(DMPK):c.*224CTG[583]

Genes: DM1-AS (DM1 locus antisense RNA; plus strand), DMPK (DM1 protein kinase; minus strand), LOC107075317 (origin of replication in DMPK trinucleotide repeat region; plus strand), LOC109461477 (dystrophia myotonica protein kinase repeat instability region; plus strand). Cytogenetic location: 19q13.32.
Variant type: Microsatellite.
Coding change: c.*224CTG[583] on transcript NM_004409.5 (MANE Select); 583 copies in a row of the 3-base unit CTG starting at c.*224.
Molecular consequence: 3 prime UTR variant.
Genome position: GRCh38, VCF-style position (the base before the change): chr19:45,770,204. GRCh37 (hg19), VCF-style position (the base before the change): chr19:46,273,462.
Other names: DM1 CTG repeat expansion; c.*224CTG[583] (NM_001081560.3, NM_001288764.2, NM_001424165.1 and 1 more transcripts); c.*217CTG[583] (NM_001081562.3, NM_001288765.2, NM_001424162.1 and 2 more transcripts); c.*222_*224TGC[583] (NM_001081563.3); c.*369CTG[583] (NM_001288766.2, NM_001424164.1, NM_001424168.1).
Identifiers: ClinVar variation 188007 (VCV000188007.1), ClinGen allele CA915951833.